The following is an entry in ClinVar:

ClinVar aggregate classification (germline): Uncertain significance (1 of 4 stars; one submission).

Conditions:
Inborn genetic diseases. Identifiers: MedGen C0950123, MeSH D030342.

Submission:

Ambry Genetics
Classification: Uncertain significance for Inborn genetic diseases. Last evaluated: 2021-02-22. Review status: criteria provided, single submitter. Criteria: Ambry Variant Classification Scheme 2023. Collection method: clinical testing. Allele origin: germline.
Comment: The c.2484C>G (p.I828M) alteration is located in exon 20 (coding exon 19) of the WASHC5 gene. This alteration results from a C to G substitution at nucleotide position 2484, causing the isoleucine (I) at amino acid position 828 to be replaced by a methionine (M). The in silico prediction for the p.I828M alteration is inconclusive. Based on insufficient or conflicting evidence, the clinical significance of this alteration remains unclear.

NM_014846.4(WASHC5):c.2484C>G (p.Ile828Met)

Gene: WASHC5 (WASH complex subunit 5; minus strand). Cytogenetic location: 8q24.13.
Variant type: single nucleotide variant.
Coding change: c.2484C>G on transcript NM_014846.4 (MANE Select); coding-DNA position 2484, C replaced by G.
Protein change: p.Ile828Met; replaces isoleucine 828 with methionine.
Molecular consequence: missense variant.
Genome position (GRCh38, 1-based): chr8:125,047,227, G>C on the plus strand (C>G on the coding strand, the complement: WASHC5 is on the minus strand). VCF-style: chr8-125047227-G-C. GRCh37 (hg19) VCF-style: chr8-126059469-G-C.
Other names: c.2040C>G, p.Ile680Met (NM_001330609.2); short protein forms I680M, I828M.
Identifiers: ClinVar variation 2229401 (VCV002229401.2), dbSNP rs1336244768, ClinGen allele CA372188831.